The following is an entry in ClinVar:

ClinVar aggregate classification (germline): Likely benign. Review status: criteria provided, multiple submitters, no conflicts (2 of 4 stars). 4 submissions from 4 submitters: Likely benign (4). Last evaluated 2025-09-21.

Conditions:
ANKRD1-related dilated cardiomyopathy. Identifiers: MedGen CN119551.
Cardiovascular phenotype. Identifiers: MedGen CN230736.
ANKRD1-related disorder. Also called: ANKRD1-related condition.

Allele frequency attached by ClinVar (database versions not stated): gnomAD exomes 0.00001; ExAC 0.00002; TOPMed 0.00003; ESP Exome Variant Server 0.00008.
gnomAD v4.1: 21 of 1,613,952 alleles (0.0013%); highest among the groups gnomAD compares: African/African-American, 0.025%; no homozygotes.

Submissions (4):

Labcorp Genetics (formerly Invitae), Labcorp
Classification: Likely benign for ANKRD1-related dilated cardiomyopathy. Last evaluated: 2025-09-21. Review status: criteria provided, single submitter. Criteria: Invitae Variant Classification Sherloc (09022015). Collection method: clinical testing. Allele origin: germline.

PreventionGenetics, part of Exact Sciences
Classification: Likely benign for ANKRD1-related condition. Last evaluated: 2025-08-19. Review status: criteria provided, single submitter. Criteria: ACMG Guidelines, 2015. Collection method: clinical testing. Allele origin: germline.
Comment: This variant is classified as likely benign based on ACMG/AMP sequence variant interpretation guidelines (Richards et al. 2015 PMID: 25741868, with internal and published modifications).

Ambry Genetics
Classification: Likely benign for Cardiovascular phenotype. Last evaluated: 2020-04-22. Review status: criteria provided, single submitter. Criteria: Ambry Variant Classification Scheme 2023. Collection method: clinical testing. Allele origin: germline.

GeneDx
Classification: Likely benign. Last evaluated: 2018-08-13. Review status: criteria provided, single submitter. Criteria: GeneDx Variant Classification Process June 2021. Collection method: clinical testing. Allele origin: germline. Affected: yes.

NM_014391.3(ANKRD1):c.165G>C (p.Leu55=)

Gene: ANKRD1 (ankyrin repeat domain 1; minus strand). Cytogenetic location: 10q23.31.
Variant type: single nucleotide variant.
Coding change: c.165G>C on transcript NM_014391.3 (MANE Select); coding-DNA position 165, G replaced by C.
Protein change: p.Leu55=; no amino-acid change (leucine 55 retained).
Molecular consequence: synonymous variant.
Genome position (GRCh38, 1-based): chr10:90,920,211, C>G on the plus strand (G>C on the coding strand, the complement: ANKRD1 is on the minus strand). VCF-style: chr10-90920211-C-G. GRCh37 (hg19) VCF-style: chr10-92679968-C-G.
Identifiers: ClinVar variation 1124189 (VCV001124189.14), dbSNP rs375414155, ClinGen allele CA5598829.